The following is an entry in ClinVar:

ClinVar aggregate classification (germline): Uncertain significance. Review status: criteria provided, single submitter (1 of 4 stars). 2 submissions from 2 submitters: Uncertain significance (1). 1 of the submissions does not count toward it. Last evaluated 2016-02-11.

Conditions:
Ehlers-Danlos syndrome, dermatosparaxis type. Also called: Dermatosparaxis; Ehlers-Danlos syndrome, type VII, autosomal recessive; EDS VIIC. Identifiers: Orphanet 1901, MedGen C2700425, MONDO:0009161, OMIM 225410.

Allele frequency attached by ClinVar (database versions not stated): gnomAD exomes 0.00001 and 0.00002; TOPMed 0.00001.
gnomAD v4.1: 33 of 1,613,970 alleles (0.002%); highest among the groups gnomAD compares: Non-Finnish European, 0.0026%; no homozygotes.

Submissions (2):

GeneDx
Classification: Uncertain significance. Last evaluated: 2016-02-11. Review status: criteria provided, single submitter. Criteria: GeneDx Variant Classification (06012015). Collection method: clinical testing. Allele origin: germline. Affected: yes.
Comment: The S853C variant in the ADAMTS2 gene has not been reported previously as a pathogenic variant, nor as a benign variant, to our knowledge. The S853C variant was not observed in approximately 6500 individuals of European and African American ancestry in the NHLBI Exome Sequencing Project, indicating it is not a common benign variant in these populations. The S853C variant is a non-conservative amino acid substitution, which is likely to impact secondary protein structure as these residues differ in polarity, charge, size and/or other properties. However, this substitution occurs at a position that is not conserved and in silico analysis is inconsistent in its predictions as to whether or not the variant is damaging to the protein structure/function. We interpret S853C as a variant of uncertain significance.

Natera, Inc.
Classification: Uncertain significance for Ehlers-Danlos syndrome type VIIC. Last evaluated: 2020-01-24. Review status: no assertion criteria provided. Collection method: clinical testing. Allele origin: germline. Not counted in ClinVar's aggregate classification.

NM_014244.5(ADAMTS2):c.2558C>G (p.Ser853Cys)

Gene: ADAMTS2 (ADAM metallopeptidase with thrombospondin type 1 motif 2; minus strand). Cytogenetic location: 5q35.3.
Variant type: single nucleotide variant.
Coding change: c.2558C>G on transcript NM_014244.5 (MANE Select); coding-DNA position 2558, C replaced by G.
Protein change: p.Ser853Cys; replaces serine 853 with cysteine.
Molecular consequence: missense variant.
Genome position (GRCh38, 1-based): chr5:179,128,018, G>C on the plus strand (C>G on the coding strand, the complement: ADAMTS2 is on the minus strand). VCF-style: chr5-179128018-G-C. GRCh37 (hg19) VCF-style: chr5-178555019-G-C.
Other names: short protein forms S853C.
Identifiers: ClinVar variation 383315 (VCV000383315.3), dbSNP rs1057521585, ClinGen allele CA16605344.